The following is an entry in ClinVar:

NM_000642.3(AGL):c.3838G>T (p.Asp1280Tyr)

Gene: AGL (amylo-alpha-1,6-glucosidase and 4-alpha-glucanotransferase; plus strand). Cytogenetic location: 1p21.2.
Variant type: single nucleotide variant.
Coding change: c.3838G>T on transcript NM_000642.3 (MANE Select); coding-DNA position 3838, G replaced by T.
Protein change: p.Asp1280Tyr; replaces aspartic acid 1280 with tyrosine.
Molecular consequence: missense variant.
Genome position (GRCh38, 1-based): chr1:99,912,406, G>T. VCF-style: chr1-99912406-G-T. GRCh37 (hg19) VCF-style: chr1-100377962-G-T.
Other names: c.3838G>T, p.Asp1280Tyr (NM_000028.3, NM_000643.3, NM_000644.3 and 1 more transcripts); c.3790G>T, p.Asp1264Tyr (NM_000646.3); c.3817G>T, p.Asp1273Tyr (NM_001425326.1); c.3637G>T, p.Asp1213Tyr (NM_001425327.1); c.3634G>T, p.Asp1212Tyr (NM_001425328.1); c.3499G>T, p.Asp1167Tyr (NM_001425329.1); c.3460G>T, p.Asp1154Tyr (NM_001425332.1); short protein forms D1264Y, D1280Y, D1154Y, D1167Y, D1212Y, D1213Y, D1273Y.
Identifiers: ClinVar variation 2125322 (VCV002125322.4), dbSNP rs2523811653, ClinGen allele CA341338615.

ClinVar aggregate classification (germline): Uncertain significance (1 of 4 stars; one submission).

Conditions:
Glycogen storage disease type III (GSD3). Also called: Cori disease; FORBES DISEASE. Identifiers: Orphanet 366, MedGen C0017922, MONDO:0009291, OMIM 232400.

Submission:

Labcorp Genetics (formerly Invitae), Labcorp
Classification: Uncertain significance for Glycogen storage disease type III. Last evaluated: 2022-04-12. Review status: criteria provided, single submitter. Criteria: Invitae Variant Classification Sherloc (09022015). Collection method: clinical testing. Allele origin: germline.
Comment: This sequence change replaces aspartic acid, which is acidic and polar, with tyrosine, which is neutral and polar, at codon 1280 of the AGL protein (p.Asp1280Tyr). This variant is not present in population databases (gnomAD no frequency). In summary, the available evidence is currently insufficient to determine the role of this variant in disease. Therefore, it has been classified as a Variant of Uncertain Significance. Algorithms developed to predict the effect of missense changes on protein structure and function (SIFT, PolyPhen-2, Align-GVGD) all suggest that this variant is likely to be disruptive. This variant has not been reported in the literature in individuals affected with AGL-related conditions.